The following is an entry in ClinVar:

NM_003321.5(TUFM):c.35C>G (p.Ala12Gly)

Genes: TUFM (Tu translation elongation factor, mitochondrial; minus strand), LOC130058735 (ATAC-STARR-seq lymphoblastoid active region 10645; plus strand). Cytogenetic location: 16p11.2.
Variant type: single nucleotide variant.
Coding change: c.35C>G on transcript NM_003321.5 (MANE Select); coding-DNA position 35, C replaced by G.
Protein change: p.Ala12Gly; replaces alanine 12 with glycine.
Molecular consequence: missense variant.
Genome position (GRCh38, 1-based): chr16:28,846,235, G>C on the plus strand (C>G on the coding strand, the complement: TUFM is on the minus strand). VCF-style: chr16-28846235-G-C. GRCh37 (hg19) VCF-style: chr16-28857556-G-C.
Other names: c.35C>G, p.Ala12Gly (NM_001365360.2); short protein forms A12G.
Identifiers: ClinVar variation 215318 (VCV000215318.13), dbSNP rs559685074, ClinGen allele CA323665.

ClinVar aggregate classification (germline): Uncertain significance. Review status: criteria provided, multiple submitters, no conflicts (2 of 4 stars). 4 submissions from 4 submitters: Uncertain significance (4). Last evaluated 2024-11-19.

Conditions:
Inborn genetic diseases. Identifiers: MedGen C0950123, MeSH D030342.
Combined oxidative phosphorylation defect type 4. Identifiers: Orphanet 254925, MedGen C1857682, MONDO:0012534, OMIM 610678.

Allele frequency attached by ClinVar (database versions not stated): gnomAD 0.00004 and 0.00005; gnomAD exomes 0.00005; TOPMed 0.00005; ExAC 0.00007; 1000 Genomes Project 0.00040; 1000 Genomes Project 30x 0.00047.

Submissions (4):

GeneDx
Classification: Uncertain significance. Last evaluated: 2024-11-19. Review status: criteria provided, single submitter. Criteria: GeneDx Variant Classification Process June 2021. Collection method: clinical testing. Allele origin: germline. Affected: yes.
Comment: Not observed at significant frequency in large population cohorts (gnomAD); In silico analysis indicates that this missense variant does not alter protein structure/function; Has not been previously published as pathogenic or benign to our knowledge

Labcorp Genetics (formerly Invitae), Labcorp
Classification: Uncertain significance. Last evaluated: 2024-01-22. Review status: criteria provided, single submitter. Criteria: Invitae Variant Classification Sherloc (09022015). Collection method: clinical testing. Allele origin: germline.
Comment: This sequence change replaces alanine, which is neutral and non-polar, with glycine, which is neutral and non-polar, at codon 12 of the TUFM protein (p.Ala12Gly). This variant is present in population databases (rs559685074, gnomAD 0.007%). This variant has not been reported in the literature in individuals affected with TUFM-related conditions. ClinVar contains an entry for this variant (Variation ID: 215318). Experimental studies and prediction algorithms are not available or were not evaluated, and the functional significance of this variant is currently unknown. In summary, the available evidence is currently insufficient to determine the role of this variant in disease. Therefore, it has been classified as a Variant of Uncertain Significance.

Ambry Genetics
Classification: Uncertain significance for Inborn genetic diseases. Last evaluated: 2024-01-16. Review status: criteria provided, single submitter. Criteria: Ambry Variant Classification Scheme 2023. Collection method: clinical testing. Allele origin: germline.

Illumina Laboratory Services, Illumina
Classification: Uncertain significance for Combined oxidative phosphorylation defect type 4. Last evaluated: 2018-01-12. Review status: criteria provided, single submitter. Criteria: ICSL Variant Classification Criteria 13 December 2019. Collection method: clinical testing. Allele origin: germline.